The following is an entry in ClinVar:

NM_024580.6(EFL1):c.2504T>C (p.Ile835Thr)

Gene: EFL1 (elongation factor like GTPase 1; minus strand). Cytogenetic location: 15q25.2.
Variant type: single nucleotide variant.
Coding change: c.2504T>C on transcript NM_024580.6 (MANE Select); coding-DNA position 2504, T replaced by C.
Protein change: p.Ile835Thr; replaces isoleucine 835 with threonine.
Molecular consequence: missense variant. On other transcripts: non-coding transcript variant (1).
Genome position (GRCh38, 1-based): chr15:82,151,950, A>G on the plus strand (T>C on the coding strand, the complement: EFL1 is on the minus strand). VCF-style: chr15-82151950-A-G. GRCh37 (hg19) VCF-style: chr15-82444291-A-G.
Other names: c.2351T>C, p.Ile784Thr (NM_001040610.3); c.1715T>C, p.Ile572Thr (NM_001322844.2); c.2504T>C, p.Ile835Thr (NM_001322845.2); short protein forms I572T, I835T, I784T.
Identifiers: ClinVar variation 1382982 (VCV001382982.6), dbSNP rs2073914430, ClinGen allele CA393287291.

ClinVar aggregate classification (germline): Uncertain significance (1 of 4 stars; one submission).

Allele frequency attached by ClinVar (database versions not stated): gnomAD 0.00001.
gnomAD v4.1: 1 of 1,614,036 alleles (0.000062%); highest among the groups gnomAD compares: South Asian, 0.0011%; no homozygotes.

Submission:

Labcorp Genetics (formerly Invitae), Labcorp
Classification: Uncertain significance. Last evaluated: 2021-09-24. Review status: criteria provided, single submitter. Criteria: Invitae Variant Classification Sherloc (09022015). Collection method: clinical testing. Allele origin: germline.
Comment: In summary, the available evidence is currently insufficient to determine the role of this variant in disease. Therefore, it has been classified as a Variant of Uncertain Significance. Algorithms developed to predict the effect of missense changes on protein structure and function are either unavailable or do not agree on the potential impact of this missense change (SIFT: "Deleterious"; PolyPhen-2: "Benign"; Align-GVGD: "Class C65"). This variant has not been reported in the literature in individuals affected with EFL1-related conditions. This variant is not present in population databases (ExAC no frequency). This sequence change replaces isoleucine with threonine at codon 835 of the EFL1 protein (p.Ile835Thr). The isoleucine residue is highly conserved and there is a moderate physicochemical difference between isoleucine and threonine.